The following is an entry in ClinVar:

NM_021922.3(FANCE):c.1114-4G>A

Gene: FANCE (FA complementation group E; plus strand). Cytogenetic location: 6p21.31.
Variant type: single nucleotide variant.
Coding change: c.1114-4G>A on transcript NM_021922.3 (MANE Select); 4 bases into the intron before coding-DNA position 1114, G replaced by A.
Molecular consequence: intron variant.
Genome position (GRCh38, 1-based): chr6:35,459,327, G>A. VCF-style: chr6-35459327-G-A. GRCh37 (hg19) VCF-style: chr6-35427104-G-A.
Identifiers: ClinVar variation 697123 (VCV000697123.14), dbSNP rs368422520, ClinGen allele CA3771610.
Genomic context (GRCh38, chr6:35,459,327, plus strand): 5'-ATTTGATAAATGCTGTTGAAATGAAGAAGAAAATAATTAATTTTTTCCTCCCTGTTGGCT[G>A]TAGATCCTCTCCTTGACTTCCTCAGCCTCCCGCCTGCTTACAACTGCCCTGACCTCCTTC-3'

ClinVar aggregate classification (germline): Conflicting classifications of pathogenicity. Review status: criteria provided, conflicting classifications (1 of 4 stars). 4 submissions from 4 submitters: Uncertain significance (1); Likely benign (2). 1 of the submissions does not count toward it. Last evaluated 2026-01-18.

Conditions:
FANCE-related disorder. Also called: FANCE-related condition.
Fanconi anemia (FA). Also called: Fanconi's anemia. Identifiers: Orphanet 84, MedGen C0015625, MeSH D005199, MONDO:0019391.
Fanconi anemia complementation group E (FANCE). Also called: FANCE-Related Fanconi Anemia. Identifiers: Orphanet 84, MedGen C3160739, MONDO:0010953, OMIM 600901.

Allele frequency attached by ClinVar (database versions not stated): gnomAD 0.00019; TOPMed 0.00024; ESP Exome Variant Server 0.00038; gnomAD exomes 0.00014 and 0.00017; ExAC 0.00019.

Submissions (4):

Labcorp Genetics (formerly Invitae), Labcorp
Classification: Likely benign for Fanconi anemia complementation group E. Last evaluated: 2026-01-18. Review status: criteria provided, single submitter. Criteria: Invitae Variant Classification Sherloc (09022015). Collection method: clinical testing. Allele origin: germline.

Blueprint Genetics
Classification: Likely benign. Last evaluated: 2024-07-24. Review status: criteria provided, single submitter. Criteria: ACMG Guidelines, 2015. Collection method: clinical testing. Allele origin: germline.

Sema4
Classification: Uncertain significance for Fanconi anemia. Last evaluated: 2021-08-10. Review status: criteria provided, single submitter. Criteria: Sema4 Curation Guidelines. Collection method: curation. Allele origin: germline.
Comment: The FANCE c.1114-4G>A variant has not been reported in the literature to our knowledge. It was observed in 33/129176 chromosomes, with no homozygotes, of the Non-Finnish European subpopulation in the large and broad cohorts of the Genome Aggregation Database (PMID: 32461654). The variant has been reported in ClinVar (Variation ID: 697123). In silico tools suggest that this variant has no effect on normal splicing, though these predictions have not been confirmed by functional studies. The evidence is insufficient to meet ACMG/AMP criteria for classifying the variant as benign or pathogenic. Thus, the clinical significance of this variant is currently uncertain.

PreventionGenetics, part of Exact Sciences
Classification: Likely benign for FANCE-related condition. Last evaluated: 2019-10-28. Review status: no assertion criteria provided. Collection method: clinical testing. Allele origin: germline. Not counted in ClinVar's aggregate classification.
Comment: This variant is classified as likely benign based on ACMG/AMP sequence variant interpretation guidelines (Richards et al. 2015 PMID: 25741868, with internal and published modifications).